The following is an entry in ClinVar:

ClinVar aggregate classification (germline): Uncertain significance. Review status: criteria provided, multiple submitters, no conflicts (2 of 4 stars). 3 submissions from 3 submitters: Uncertain significance (3). Last evaluated 2026-07-02.

Conditions:
RYR1-related disorder. Also called: RYR1-related condition; RYR1-related disorders. Identifiers: MedGen CN239331.
Malignant hyperthermia, susceptibility to, 1 (MHS1). Also called: Anesthesia related hyperthermia; Malignant hyperpyrexia; Fulminating hyperpyrexia; Pharmacogenic myopathy; RYR1-Related Malignant Hyperthermia Susceptibility; Malignant hyperthermia suceptibility 1. Identifiers: Orphanet 423, MedGen C2930980, MONDO:0007783, OMIM 145600.

Submissions (3):

GeneDx
Classification: Uncertain significance. Last evaluated: 2026-07-02. Review status: criteria provided, single submitter. Criteria: GeneDx Variant Classification Process June 2021. Collection method: clinical testing. Allele origin: germline.
Comment: Not observed at significant frequency in large population cohorts (gnomAD); In silico analysis indicates that this missense variant does not alter protein structure/function; Has not been previously published as pathogenic or benign to our knowledge

Color Diagnostics, LLC DBA Color Health
Classification: Uncertain significance for Malignant hyperthermia, susceptibility to, 1. Last evaluated: 2025-10-30. Review status: criteria provided, single submitter. Criteria: ACMG Guidelines, 2015. Collection method: clinical testing. Allele origin: germline.
Comment: This missense variant replaces glutamic acid with lysine at codon 4490 of the RYR1 protein. Computational prediction suggests that this variant may not impact protein structure and function. To our knowledge, functional studies have not been reported for this variant. This variant has not been reported in individuals affected with RYR1-related disorders in the literature. This variant has not been identified in the general population by the Genome Aggregation Database (gnomAD). The available evidence is insufficient to determine the role of this variant in disease conclusively. Therefore, this variant is classified as a Variant of Uncertain Significance.

Labcorp Genetics (formerly Invitae), Labcorp
Classification: Uncertain significance for RYR1-related disorder. Last evaluated: 2025-07-08. Review status: criteria provided, single submitter. Criteria: Invitae Variant Classification Sherloc (09022015). Collection method: clinical testing. Allele origin: germline.
Comment: This sequence change replaces glutamic acid, which is acidic and polar, with lysine, which is basic and polar, at codon 4490 of the RYR1 protein (p.Glu4490Lys). This variant is not present in population databases (gnomAD no frequency). This variant has not been reported in the literature in individuals affected with RYR1-related conditions. ClinVar contains an entry for this variant (Variation ID: 3391559). Invitae Evidence Modeling of protein sequence and biophysical properties (such as structural, functional, and spatial information, amino acid conservation, physicochemical variation, residue mobility, and thermodynamic stability) indicates that this missense variant is not expected to disrupt RYR1 protein function with a negative predictive value of 95%. In summary, the available evidence is currently insufficient to determine the role of this variant in disease. Therefore, it has been classified as a Variant of Uncertain Significance.

NM_000540.3(RYR1):c.13468G>A (p.Glu4490Lys)

Gene: RYR1 (ryanodine receptor 1; plus strand). Cytogenetic location: 19q13.2.
Variant type: single nucleotide variant.
Coding change: c.13468G>A on transcript NM_000540.3 (MANE Select); coding-DNA position 13468, G replaced by A.
Protein change: p.Glu4490Lys; replaces glutamic acid 4490 with lysine.
Molecular consequence: missense variant.
Genome position (GRCh38, 1-based): chr19:38,566,941, G>A. VCF-style: chr19-38566941-G-A. GRCh37 (hg19) VCF-style: chr19-39057581-G-A.
Other names: c.13453G>A, p.Glu4485Lys (NM_001042723.2); short protein forms E4485K, E4490K.
Identifiers: ClinVar variation 3391559 (VCV003391559.3).